The following is an entry in ClinVar:

ClinVar aggregate classification (germline): Pathogenic (1 of 4 stars; one submission).

Submission:

Labcorp Genetics (formerly Invitae), Labcorp
Classification: Pathogenic. Last evaluated: 2025-10-02. Review status: criteria provided, single submitter. Criteria: Invitae Variant Classification Sherloc (09022015). Collection method: clinical testing. Allele origin: germline.
Comment: This sequence change creates a premature translational stop signal (p.Ala880Glyfs*5) in the TTC37 gene. It is expected to result in an absent or disrupted protein product. Loss-of-function variants in TTC37 are known to be pathogenic (PMID: 20176027, 21120949). This variant is not present in population databases (gnomAD no frequency). This variant has not been reported in the literature in individuals affected with TTC37-related conditions. For these reasons, this variant has been classified as Pathogenic.

Literature cited by the submitters: PubMed 20176027; PubMed 21120949.

NM_014639.4(SKIC3):c.2639_2658del (p.Ala880fs)

Gene: SKIC3 (SKI3 subunit of superkiller complex; minus strand). Cytogenetic location: 5q15.
Variant type: Deletion.
Coding change: c.2639_2658del on transcript NM_014639.4 (MANE Select); coding-DNA positions 2639 to 2658, 20 bases deleted (CTCATGAGGCTTTCAAAATG).
Protein change: p.Ala880fs; shifts the reading frame from alanine 880.
Molecular consequence: frameshift variant.
Genome position (GRCh38, 1-based): chr5:95,514,900-95,514,919, CATTTTGAAAGCCTCATGAG deleted on the plus strand (CTCATGAGGCTTTCAAAATG on the coding strand, the reverse complement: SKIC3 is on the minus strand); deleting any 20 consecutive bases within chr5:95,514,900-95,514,920 gives the same sequence; the c. name uses the placement nearest the transcript's 3' end. VCF-style (leftmost placement, unchanged base first): chr5-95514899-CCATTTTGAAAGCCTCATGAG-C. GRCh37 (hg19) VCF-style: chr5-94850603-CCATTTTGAAAGCCTCATGAG-C.
Other names: short protein forms A880fs.
Identifiers: ClinVar variation 4722876 (VCV004722876.1).
Genomic context (GRCh38, chr5:95,514,899, plus strand): 5'-ATGTTATATTTCTTACTTGTCCAATCCAGCACATTAAATAAGATGGATCAAGGGATTGAG[CCATTTTGAAAGCCTCATGAG>C]CTTGCTAGGAAAAAAAGGCAAAAAATATTACAGCAAGTCATTTTATAAACTTATTAAACC-3'